The following is an entry in ClinVar:

ClinVar aggregate classification (germline): Pathogenic. Review status: criteria provided, multiple submitters, no conflicts (2 of 4 stars). 2 submissions from 2 submitters: Pathogenic (2). Last evaluated 2025-02-25.

Conditions:
Hereditary nonpolyposis colorectal neoplasms. Identifiers: MedGen C0009405, MeSH D003123.
Hereditary cancer-predisposing syndrome. Also called: Hereditary Cancer Syndrome; Tumor predisposition; Hereditary neoplastic syndrome; Neoplastic Syndromes, Hereditary. Identifiers: Orphanet 140162, MedGen C0027672, MeSH D009386, MONDO:0015356.

Submissions (2):

Labcorp Genetics (formerly Invitae), Labcorp
Classification: Pathogenic for Hereditary nonpolyposis colorectal neoplasms. Last evaluated: 2025-02-25. Review status: criteria provided, single submitter. Criteria: Invitae Variant Classification Sherloc (09022015). Collection method: clinical testing. Allele origin: germline.
Comment: This sequence change creates a premature translational stop signal (p.Asn345Phefs*2) in the MSH6 gene. It is expected to result in an absent or disrupted protein product. Loss-of-function variants in MSH6 are known to be pathogenic (PMID: 18269114, 24362816). This variant is not present in population databases (gnomAD no frequency). This premature translational stop signal has been observed in individual(s) with colorectal cancer (PMID: 34873480). ClinVar contains an entry for this variant (Variation ID: 3398901). For these reasons, this variant has been classified as Pathogenic.

Ambry Genetics
Classification: Pathogenic for Hereditary cancer-predisposing syndrome. Last evaluated: 2024-08-20. Review status: criteria provided, single submitter. Criteria: Ambry Variant Classification Scheme 2023. Collection method: clinical testing. Allele origin: germline.
Comment: The c.1033_1034delAA pathogenic mutation, located in coding exon 4 of the MSH6 gene, results from a deletion of two nucleotides at nucleotide positions 1033 to 1034, causing a translational frameshift with a predicted alternate stop codon (p.N345Ffs*2). This variant is considered to be rare based on population cohorts in the Genome Aggregation Database (gnomAD). This alteration is expected to result in loss of function by premature protein truncation or nonsense-mediated mRNA decay. As such, this alteration is interpreted as a disease-causing mutation.

Literature cited by the submitters: PubMed 18269114 (cited by Labcorp Genetics (formerly Invitae), Labcorp); PubMed 24362816 (cited by Labcorp Genetics (formerly Invitae), Labcorp); PubMed 34873480 (cited by Labcorp Genetics (formerly Invitae), Labcorp).

NM_000179.3(MSH6):c.1033_1034del (p.Asn345fs)

Gene: MSH6 (mutS homolog 6; plus strand). Cytogenetic location: 2p16.3.
Variant type: Deletion.
Coding change: c.1033_1034del on transcript NM_000179.3 (MANE Select); coding-DNA positions 1033 to 1034, 2 bases deleted (AA; older notation c.1033_1034delAA).
Protein change: p.Asn345fs; shifts the reading frame from asparagine 345.
Molecular consequence: frameshift variant. On other transcripts: non-coding transcript variant (4), intron variant (1).
Genome position (GRCh38, 1-based): chr2:47,799,016-47,799,017, AA deleted; deleting any 2 consecutive bases within chr2:47,799,014-47,799,017 gives the same sequence; the c. name uses the placement nearest the transcript's 3' end. VCF-style (leftmost placement, unchanged base first): chr2-47799013-CAA-C. GRCh37 (hg19) VCF-style: chr2-48026152-CAA-C.
Other names: c.643_644del, p.Asn215fs (NM_001281492.2); c.127_128del, p.Asn43fs (NM_001281493.2, NM_001281494.2, NM_001406811.1 and 6 more transcripts); c.1129_1130del, p.Asn377fs (NM_001406795.1, NM_001406802.1); c.1033_1034del, p.Asn345fs (NM_001406796.1, NM_001406798.1, NM_001406800.1 and 4 more transcripts); c.736_737del, p.Asn246fs (NM_001406797.1, NM_001406801.1, NM_001406805.1 and 10 more transcripts); c.508_509del, p.Asn170fs (NM_001406799.1, NM_001406806.1, NM_001406807.1); c.955_956del, p.Asn319fs (NM_001406804.1); c.1039_1040del, p.Asn347fs (NM_001406813.1); and 2 more; short protein forms N215fs, N377fs, N319fs, N345fs, N347fs, N170fs, N246fs, N289fs.
Identifiers: ClinVar variation 3398901 (VCV003398901.2).
Genomic context (GRCh38, chr2:47,799,013, plus strand): 5'-AAACAAGCAACTAGCATTTCATCAGAAACCAAGAATACTTTGAGAGCTTTCTCTGCCCCT[CAA>C]AATTCTGAATCCCAAGCCCACGTTAGTGGAGGTGGTGATGACAGTAGTCGCCCTACTGTT-3'